The following is an entry in ClinVar:

ClinVar aggregate classification (germline): Uncertain significance (1 of 4 stars; one submission).

Conditions:
Intellectual developmental disorder with autism and speech delay. Also called: Autism 5; AUTISM-RELATED SPEECH DELAY; PHRASE SPEECH DELAY, AUTISM-RELATED; AUTS5; Autism, susceptibility to, 5. Identifiers: MedGen C1853755, MONDO:0011627, OMIM 606053.

Submission:

Foundation for Research in Genetics and Endocrinology, FRIGE's Institute of Human Genetics
Classification: Uncertain significance for Intellectual developmental disorder with autism and speech delay. Last evaluated: 2020-11-26. Review status: criteria provided, single submitter. Criteria: ACMG Guidelines, 2015. Collection method: research. Allele origin: paternal. Inheritance: Autosomal dominant inheritance. Affected: yes. Observed: 1 heterozygote.
Comment: A heterozygous missense variation in exon 1 of the TBR1 gene that results in the amino acid substitution of Arginine for Histidine at codon 95 was detected. The observed variant c.284A>G (p.His95Arg) has not been reported in the 1000 genomes and gnomAD databases. The in silico prediction of the variant are probably damaging by PolyPhen-2 (HumDiv) and damaging by SIFT, LRT and MutationTaster2, and slightly intolerant by MetaDome. In summary, the variant meets our criteria to be classified as a variant of uncertain significance.

NM_006593.4(TBR1):c.284A>G (p.His95Arg)

Gene: TBR1 (T-box brain transcription factor 1; plus strand). Cytogenetic location: 2q24.2.
Variant type: single nucleotide variant.
Coding change: c.284A>G on transcript NM_006593.4 (MANE Select); coding-DNA position 284, A replaced by G.
Protein change: p.His95Arg; replaces histidine 95 with arginine.
Molecular consequence: missense variant.
Genome position (GRCh38, 1-based): chr2:161,416,694, A>G. VCF-style: chr2-161416694-A-G. GRCh37 (hg19) VCF-style: chr2-162273205-A-G.
Other names: p.His95Arg; short protein forms H95R.
Identifiers: ClinVar variation 1300130 (VCV001300130.3), dbSNP rs2105278281, ClinGen allele CA349211057.
Genomic context (GRCh38, chr2:161,416,694, plus strand): 5'-CAGGGGACGTCCAGAGAAGTAAACTCTCTCCTGTCTTGGACGGGGTCTCTGAGCTTCGTC[A>G]CAGTTTCGATGGCTCTGCTGCAGATCGCTACCTCCTCTCTCAGTCCAGCCAGCCACAGTC-3'
Protein context (NP_006584.1, residues 85-105): PVLDGVSELR[His95Arg]SFDGSAADRY